The following is an entry in ClinVar:

NM_002230.4(JUP):c.1130G>A (p.Arg377His)

Gene: JUP (junction plakoglobin; minus strand). Cytogenetic location: 17q21.2.
Variant type: single nucleotide variant.
Coding change: c.1130G>A on transcript NM_002230.4 (MANE Select); coding-DNA position 1130, G replaced by A.
Protein change: p.Arg377His; replaces arginine 377 with histidine.
Molecular consequence: missense variant.
Genome position (GRCh38, 1-based): chr17:41,764,741, C>T on the plus strand (G>A on the coding strand, the complement: JUP is on the minus strand). VCF-style: chr17-41764741-C-T. GRCh37 (hg19) VCF-style: chr17-39920993-C-T.
Other names: c.1130G>A (NM_021991.2); c.1130G>A, p.Arg377His (NM_001352773.2, NM_001352774.2, NM_001352775.2 and 3 more transcripts); short protein forms R377H.
Identifiers: ClinVar variation 201822 (VCV000201822.11), dbSNP rs794729044, ClinGen allele CA308521.
Genomic context (GRCh38, chr17:41,764,741, plus strand): 5'-AGGTCAACCCCAGGCCCAGATACCTCCCTCACCTGCTTGGTGGCCACATCTGAGAGGTTG[C>T]GCAGGGTCCACAGGCAGTTCTGCACCAGGCGGGGGCTGTTGCTGGTCAGGTGCTTGCCCA-3'
Protein context (NP_002221.1, residues 367-387): RLVQNCLWTL[Arg377His]NLSDVATKQE

ClinVar aggregate classification (germline): Uncertain significance. Review status: criteria provided, multiple submitters, no conflicts (2 of 4 stars). 4 submissions from 4 submitters: Uncertain significance (3). 1 of the submissions does not count toward it. Last evaluated 2025-05-15.

Conditions:
JUP-related disorder. Also called: JUP-related condition.
Arrhythmogenic right ventricular dysplasia 12. Also called: ARRHYTHMOGENIC RIGHT VENTRICULAR DYSPLASIA, FAMILIAL, 12. Identifiers: MedGen C1969081, MONDO:0012684, OMIM 611528.
Naxos disease (NXD). Also called: KERATOSIS PALMOPLANTARIS WITH ARRHYTHMOGENIC CARDIOMYOPATHY; MAL DE NAXOS; PALMOPLANTAR KERATODERMA WITH ARRHYTHMOGENIC RIGHT VENTRICULAR CARDIOMYOPATHY AND WOOLLY HAIR; WOOLLY HAIR, PALMOPLANTAR KERATODERMA, AND CARDIAC ABNORMALITIES; CARDIOMYOPATHY, ARRHYTHMOGENIC RIGHT VENTRICULAR, WITH SKIN, HAIR, AND NAIL ABNORMALITIES. Identifiers: Orphanet 34217, MedGen C1832600, MONDO:0011017, OMIM 601214.
Cardiomyopathy (CMYO). Also called: Cardiomyopathies. Identifiers: Orphanet 167848, MedGen C0878544, MONDO:0004994, HP:0001638. Inheritance: Various modes of inheritance.

Allele frequency attached by ClinVar (database versions not stated): gnomAD 0.00001; TOPMed 0.00002; ExAC 0.00003; gnomAD exomes 0.00005; 1000 Genomes Project 30x 0.00016; 1000 Genomes Project 0.00020.
gnomAD v4.1: 69 of 1,613,128 alleles (0.0043%); highest among the groups gnomAD compares: South Asian, 0.019%; no homozygotes.

Submissions (4):

Labcorp Genetics (formerly Invitae), Labcorp
Classification: Uncertain significance for Arrhythmogenic right ventricular dysplasia 12; Naxos disease. Last evaluated: 2025-05-15. Review status: criteria provided, single submitter. Criteria: Invitae Variant Classification Sherloc (09022015). Collection method: clinical testing. Allele origin: germline.
Comment: This sequence change replaces arginine, which is basic and polar, with histidine, which is basic and polar, at codon 377 of the JUP protein (p.Arg377His). This variant is present in population databases (rs200433530, gnomAD 0.02%). This missense change has been observed in individual(s) with arrhythmogenic right ventricularcardiomyopathy and/or sudden infant death syndrome (PMID: 25765472, 32789579). ClinVar contains an entry for this variant (Variation ID: 201822). An algorithm developed to predict the effect of missense changes on protein structure and function (PolyPhen-2) suggests that this variant is likely to be disruptive. This variant disrupts the p.Arg377 amino acid residue in JUP. Other variant(s) that disrupt this residue have been observed in individuals with JUP-related conditions (PMID: 25765472), which suggests that this may be a clinically significant amino acid residue. In summary, the available evidence is currently insufficient to determine the role of this variant in disease. Therefore, it has been classified as a Variant of Uncertain Significance.

CHEO Genetics Diagnostic Laboratory, Children's Hospital of Eastern Ontario
Classification: Uncertain significance for Cardiomyopathy. Last evaluated: 2020-03-17. Review status: criteria provided, single submitter. Criteria: ACMG Guidelines, 2015. Collection method: clinical testing. Allele origin: germline.

Baylor-Hopkins Center for Mendelian Genomics, Johns Hopkins University School of Medicine
Classification: Uncertain significance for Arrhythmogenic right ventricular dysplasia 12. Review status: criteria provided, single submitter. Criteria: ACMG Guidelines, 2015. Collection method: research. Allele origin: unknown. Affected: yes. Observed: 1 variant allele, 1 heterozygote.

PreventionGenetics, part of Exact Sciences
Classification: Uncertain significance for JUP-related condition. Last evaluated: 2024-07-10. Review status: no assertion criteria provided. Collection method: clinical testing. Allele origin: germline. Not counted in ClinVar's aggregate classification.
Comment: The JUP c.1130G>A variant is predicted to result in the amino acid substitution p.Arg377His. This variant has been reported in an individual with arrhythmogenic right ventricular cardiomyopathy and a case of sudden infant death syndrome (Zhou et al. 2015. PubMed ID: 25765472; Köffer et al. 2020. PubMed ID: 32789579). This variant is reported in 0.022% of alleles in individuals of East Asian descent in gnomAD. At this time, the clinical significance of this variant is uncertain due to the absence of conclusive functional and genetic evidence.

Literature cited by the submitters: PubMed 25765472 (cited by Labcorp Genetics (formerly Invitae), Labcorp); PubMed 32789579 (cited by Labcorp Genetics (formerly Invitae), Labcorp).